The following is an entry in ClinVar:

NM_007294.4(BRCA1):c.3913G>A (p.Asp1305Asn)

Genes: BRCA1 (BRCA1 DNA repair associated; minus strand), LOC126862571 (BRD4-independent group 4 enhancer GRCh37_chr17:41243136-41244335; plus strand). Cytogenetic location: 17q21.31.
Variant type: single nucleotide variant.
Coding change: c.3913G>A on transcript NM_007294.4 (MANE Select); coding-DNA position 3913, G replaced by A.
Protein change: p.Asp1305Asn; replaces aspartic acid 1305 with asparagine.
Molecular consequence: missense variant. On other transcripts: intron variant (135).
Genome position (GRCh38, 1-based): chr17:43,091,618, C>T on the plus strand (G>A on the coding strand, the complement: BRCA1 is on the minus strand). VCF-style: chr17-43091618-C-T. GRCh37 (hg19) VCF-style: chr17-41243635-C-T.
Other names: c.3910G>A, p.Asp1304Asn (NM_001407861.1, NM_001407587.1, NM_001407590.1 and 22 more transcripts); c.3712G>A, p.Asp1238Asn (NM_001407862.1); c.3790G>A, p.Asp1264Asn (NM_001407863.1, NM_001407919.1, NM_001407937.1 and 19 more transcripts); c.3709G>A, p.Asp1237Asn (NM_001407874.1, NM_001407875.1); c.3703G>A, p.Asp1235Asn (NM_001407879.1, NM_001407881.1, NM_001407882.1 and 13 more transcripts); c.3700G>A, p.Asp1234Asn (NM_001407894.1, NM_001407895.1, NM_001407896.1 and 9 more transcripts); c.3649G>A, p.Asp1217Asn (NM_001407920.1, NM_001407921.1, NM_001407922.1 and 9 more transcripts); c.3646G>A, p.Asp1216Asn (NM_001407930.1, NM_001407931.1, NM_001407932.1 and 2 more transcripts); and 41 more; short protein forms D1194N, D1264N, D1302N, D1304N, D1305N, D1137N, D1177N, D1216N.
Identifiers: ClinVar variation 1736130 (VCV001736130.4), dbSNP rs1555586799, ClinGen allele CA10594137.

ClinVar aggregate classification (germline): Conflicting classifications of pathogenicity. Review status: criteria provided, conflicting classifications (1 of 4 stars). 2 submissions from 2 submitters: Uncertain significance (1); Likely benign (1). Last evaluated 2023-03-23.

Conditions:
Hereditary cancer-predisposing syndrome. Also called: Neoplastic Syndromes, Hereditary; Tumor predisposition; Hereditary Cancer Syndrome; Hereditary neoplastic syndrome. Identifiers: Orphanet 140162, MedGen C0027672, MeSH D009386, MONDO:0015356.

Submissions (2):

University of Washington Department of Laboratory Medicine, University of Washington
Classification: Likely benign for Hereditary cancer-predisposing syndrome. Last evaluated: 2023-03-23. Review status: criteria provided, single submitter. Criteria: Dines et al. (Genet Med. 2020). Collection method: curation. Allele origin: germline.
Comment: Missense variant in a coldspot region where missense variants are very unlikely to be pathogenic (PMID:31911673).

BRCA1 coldspot (exon 11 using historical exon numbering). Reclassification based on statistical prior probability

Ambry Genetics
Classification: Uncertain significance for Hereditary cancer-predisposing syndrome. Last evaluated: 2019-09-06. Review status: criteria provided, single submitter. Criteria: Ambry Variant Classification Scheme 2023. Collection method: clinical testing. Allele origin: germline.
Comment: The p.D1305N variant (also known as c.3913G>A), located in coding exon 9 of the BRCA1 gene, results from a G to A substitution at nucleotide position 3913. The aspartic acid at codon 1305 is replaced by asparagine, an amino acid with highly similar properties. This amino acid position is not well conserved in available vertebrate species. In addition, the in silico prediction for this alteration is inconclusive. Since supporting evidence is limited at this time, the clinical significance of this alteration remains unclear.